The following is an entry in ClinVar:

ClinVar aggregate classification (germline): Uncertain significance (1 of 4 stars; one submission).

Allele frequency attached by ClinVar (database versions not stated): gnomAD 0.00001; gnomAD exomes 0.00001; TOPMed 0.00001; ExAC 0.00003; ESP Exome Variant Server 0.00008.
gnomAD v4.1: 22 of 1,613,822 alleles (0.0014%); highest among the groups gnomAD compares: Admixed American, 0.0017%; no homozygotes.

Submission:

Labcorp Genetics (formerly Invitae), Labcorp
Classification: Uncertain significance. Last evaluated: 2022-04-13. Review status: criteria provided, single submitter. Criteria: Invitae Variant Classification Sherloc (09022015). Collection method: clinical testing. Allele origin: germline.
Comment: In summary, the available evidence is currently insufficient to determine the role of this variant in disease. Therefore, it has been classified as a Variant of Uncertain Significance. Algorithms developed to predict the effect of missense changes on protein structure and function output the following: SIFT: "Tolerated"; PolyPhen-2: "Benign"; Align-GVGD: "Class C0". The valine amino acid residue is found in multiple mammalian species, which suggests that this missense change does not adversely affect protein function. ClinVar contains an entry for this variant (Variation ID: 962876). This variant has not been reported in the literature in individuals affected with KIAA1549-related conditions. This variant is present in population databases (rs373028258, gnomAD 0.003%). This sequence change replaces methionine, which is neutral and non-polar, with valine, which is neutral and non-polar, at codon 498 of the KIAA1549 protein (p.Met498Val).

NM_001164665.2(KIAA1549):c.1492A>G (p.Met498Val)

Gene: KIAA1549 (KIAA1549; minus strand). Cytogenetic location: 7q34.
Variant type: single nucleotide variant.
Coding change: c.1492A>G on transcript NM_001164665.2 (MANE Select); coding-DNA position 1492, A replaced by G.
Protein change: p.Met498Val; replaces methionine 498 with valine.
Molecular consequence: missense variant.
Genome position (GRCh38, 1-based): chr7:138,918,134, T>C on the plus strand (A>G on the coding strand, the complement: KIAA1549 is on the minus strand). VCF-style: chr7-138918134-T-C. GRCh37 (hg19) VCF-style: chr7-138602880-T-C.
Other names: c.1492A>G, p.Met498Val (NM_020910.3); short protein forms M498V.
Identifiers: ClinVar variation 962876 (VCV000962876.8), dbSNP rs373028258, ClinGen allele CA4506715.